The following is an entry in ClinVar:

NM_012448.4(STAT5B):c.1170-3C>T

Gene: STAT5B (signal transducer and activator of transcription 5B; minus strand). Cytogenetic location: 17q21.2.
Variant type: single nucleotide variant.
Coding change: c.1170-3C>T on transcript NM_012448.4 (MANE Select); 3 bases into the intron before coding-DNA position 1170, C replaced by T.
Molecular consequence: intron variant.
Genome position (GRCh38, 1-based): chr17:42,217,467, G>A on the plus strand (C>T on the coding strand, the complement: STAT5B is on the minus strand). VCF-style: chr17-42217467-G-A. GRCh37 (hg19) VCF-style: chr17-40369485-G-A.
Identifiers: ClinVar variation 1951509 (VCV001951509.5), dbSNP rs754312665, ClinGen allele CA8574099.
Genomic context (GRCh38, chr17:42,217,467, plus strand): 5'-TGTGGCTTGGTGGTACTCCATGACGCAGCAGTTGTTCAAGATCTCGCCACTGTAATCACT[G>A]CAAATCAGAGAGAGACCAGCTCCAAACCCATGCCAGGGTCTCAGGACATGCGGAGTAAAT-3'

ClinVar aggregate classification (germline): Uncertain significance (1 of 4 stars; one submission).

Conditions:
Growth hormone insensitivity with immune dysregulation 1, autosomal recessive. Also called: Laron syndrome with immunodeficiency; GROWTH HORMONE INSENSITIVITY SYNDROME WITH IMMUNE DYSREGULATION 1, AUTOSOMAL RECESSIVE; GROWTH HORMONE INSENSITIVITY DUE TO POSTRECEPTOR DEFECT; LARON SYNDROME DUE TO POSTRECEPTOR DEFECT. Identifiers: Orphanet 220465, MedGen C5435698, MONDO:0100211, OMIM 245590.

Allele frequency attached by ClinVar (database versions not stated): ExAC 0.00001; gnomAD 0.00001; TOPMed 0.00002.
gnomAD v4.1: 2 of 1,614,036 alleles (0.00012%); highest among the groups gnomAD compares: African/African-American, 0.0027%; no homozygotes.

Submission:

Labcorp Genetics (formerly Invitae), Labcorp
Classification: Uncertain significance for Growth hormone insensitivity with immune dysregulation 1, autosomal recessive. Last evaluated: 2022-08-07. Review status: criteria provided, single submitter. Criteria: Invitae Variant Classification Sherloc (09022015). Collection method: clinical testing. Allele origin: germline.
Comment: In summary, the available evidence is currently insufficient to determine the role of this variant in disease. Therefore, it has been classified as a Variant of Uncertain Significance. Variants that disrupt the consensus splice site are a relatively common cause of aberrant splicing (PMID: 17576681, 9536098). Algorithms developed to predict the effect of sequence changes on RNA splicing suggest that this variant may disrupt the consensus splice site. This variant has not been reported in the literature in individuals affected with STAT5B-related conditions. This variant is present in population databases (rs754312665, gnomAD 0.007%). This sequence change falls in intron 9 of the STAT5B gene. It does not directly change the encoded amino acid sequence of the STAT5B protein. It affects a nucleotide within the consensus splice site.

Literature cited by the submitters: PubMed 17576681; PubMed 9536098.